The following is an entry in ClinVar:

NM_006514.4(SCN10A):c.2408T>G (p.Leu803Arg)

Gene: SCN10A (sodium voltage-gated channel alpha subunit 10; minus strand). Cytogenetic location: 3p22.2.
Variant type: single nucleotide variant.
Coding change: c.2408T>G on transcript NM_006514.4 (MANE Select); coding-DNA position 2408, T replaced by G.
Protein change: p.Leu803Arg; replaces leucine 803 with arginine.
Molecular consequence: missense variant.
Genome position (GRCh38, 1-based): chr3:38,728,774, A>C on the plus strand (T>G on the coding strand, the complement: SCN10A is on the minus strand). VCF-style: chr3-38728774-A-C. GRCh37 (hg19) VCF-style: chr3-38770265-A-C.
Other names: c.2408T>G, p.Leu803Arg (NM_001293306.2); c.2114T>G, p.Leu705Arg (NM_001293307.2); short protein forms L705R, L803R.
Identifiers: ClinVar variation 2563708 (VCV002563708.2), dbSNP rs2470680455, ClinGen allele CA352160695.
Genomic context (GRCh38, chr3:38,728,774, plus strand): 5'-GGCGCGGAGATATTTTTTCGGTTGTTACGGTAGTTTTCCCCTAGGAGCTGCTTGCCAACC[A>C]GAGCAAAGACAAAGACAATGATGGCCAGGATGATGGTGAGGTTCCCCAGTGCCCCCACTG-3'
Protein context (NP_006505.4, residues 793-813): ILAIIVFVFA[Leu803Arg]VGKQLLGENY

ClinVar aggregate classification (germline): Uncertain significance (1 of 4 stars; one submission).

Conditions:
Cardiovascular phenotype. Identifiers: MedGen CN230736.

Allele frequency attached by ClinVar (database versions not stated): gnomAD exomes below 0.00001.
gnomAD v4.1: 1 of 1,614,194 alleles (0.000062%); highest among the groups gnomAD compares: Non-Finnish European, 0.000085%; no homozygotes.

Submission:

Ambry Genetics
Classification: Uncertain significance for Cardiovascular phenotype. Last evaluated: 2023-04-18. Review status: criteria provided, single submitter. Criteria: Ambry Variant Classification Scheme 2023. Collection method: clinical testing. Allele origin: germline.
Comment: The p.L803R variant (also known as c.2408T>G), located in coding exon 15 of the SCN10A gene, results from a T to G substitution at nucleotide position 2408. The leucine at codon 803 is replaced by arginine, an amino acid with dissimilar properties. This amino acid position is conserved. In addition, this alteration is predicted to be deleterious by in silico analysis. Since supporting evidence is limited at this time, the clinical significance of this alteration remains unclear.